The following is an entry in ClinVar:

NM_015214.3(DDHD2):c.1834T>G (p.Ser612Ala)

Gene: DDHD2 (DDHD domain containing 2; plus strand). Cytogenetic location: 8p11.23.
Variant type: single nucleotide variant.
Coding change: c.1834T>G on transcript NM_015214.3 (MANE Select); coding-DNA position 1834, T replaced by G.
Protein change: p.Ser612Ala; replaces serine 612 with alanine.
Molecular consequence: missense variant. On other transcripts: non-coding transcript variant (2).
Genome position (GRCh38, 1-based): chr8:38,253,070, T>G. VCF-style: chr8-38253070-T-G. GRCh37 (hg19) VCF-style: chr8-38110588-T-G.
Other names: c.1834T>G, p.Ser612Ala (NM_001164232.2, NM_001362911.2, NM_001362912.2 and 1 more transcripts); c.1744T>G, p.Ser582Ala (NM_001362913.2); short protein forms S612A, S582A.
Identifiers: ClinVar variation 568523 (VCV000568523.5), dbSNP rs142193606, ClinGen allele CA4716373.

ClinVar aggregate classification (germline): Uncertain significance. Review status: criteria provided, multiple submitters, no conflicts (2 of 4 stars). 3 submissions from 3 submitters: Uncertain significance (3). Last evaluated 2025-07-01.

Conditions:
Inborn genetic diseases. Identifiers: MedGen C0950123, MeSH D030342.
Hereditary spastic paraplegia 54. Also called: Spastic paraplegia 54, autosomal recessive. Identifiers: Orphanet 320380, MedGen C3539495, MONDO:0014018, OMIM 615033.

Allele frequency attached by ClinVar (database versions not stated): ExAC 0.00004; gnomAD exomes 0.00007 and 0.00016; TOPMed 0.00007; ESP Exome Variant Server 0.00008; gnomAD 0.00008 and 0.00009.
gnomAD v4.1: 238 of 1,614,040 alleles (0.015%); highest among the groups gnomAD compares: Non-Finnish European, 0.019%; no homozygotes.

Submissions (3):

Ambry Genetics
Classification: Uncertain significance for Inborn genetic diseases. Last evaluated: 2025-07-01. Review status: criteria provided, single submitter. Criteria: Ambry Variant Classification Scheme 2023. Collection method: clinical testing. Allele origin: germline.

Labcorp Genetics (formerly Invitae), Labcorp
Classification: Uncertain significance for Hereditary spastic paraplegia 54. Last evaluated: 2022-06-12. Review status: criteria provided, single submitter. Criteria: Invitae Variant Classification Sherloc (09022015). Collection method: clinical testing. Allele origin: germline.
Comment: This sequence change replaces serine, which is neutral and polar, with alanine, which is neutral and non-polar, at codon 612 of the DDHD2 protein (p.Ser612Ala). This variant is present in population databases (rs142193606, gnomAD 0.02%). This variant has not been reported in the literature in individuals affected with DDHD2-related conditions. ClinVar contains an entry for this variant (Variation ID: 568523). Algorithms developed to predict the effect of missense changes on protein structure and function output the following: SIFT: "Tolerated"; PolyPhen-2: "Benign"; Align-GVGD: "Class C0". The alanine amino acid residue is found in multiple mammalian species, which suggests that this missense change does not adversely affect protein function. In summary, the available evidence is currently insufficient to determine the role of this variant in disease. Therefore, it has been classified as a Variant of Uncertain Significance.

Fulgent Genetics
Classification: Uncertain significance for Hereditary spastic paraplegia 54. Last evaluated: 2022-05-02. Review status: criteria provided, single submitter. Criteria: ACMG Guidelines, 2015. Collection method: clinical testing. Allele origin: unknown.